The following is an entry in ClinVar:

ClinVar aggregate classification (germline): Conflicting classifications of pathogenicity. Review status: criteria provided, conflicting classifications (1 of 4 stars). 6 submissions from 6 submitters: Uncertain significance (4); Benign (1); Likely benign (1). Last evaluated 2025-12-24.

Conditions:
Cardiovascular phenotype. Identifiers: MedGen CN230736.
Dilated cardiomyopathy 1AA (CMD1AA). Also called: Cardiomyopathy, dilated, 1AA, with or without LVNC; CARDIOMYOPATHY, DILATED, 1AA, WITH OR WITHOUT LEFT VENTRICULAR NONCOMPACTION; CARDIOMYOPATHY, FAMILIAL HYPERTROPHIC, 23, WITH OR WITHOUT LEFT VENTRICULAR NONCOMPACTION. Identifiers: Orphanet 154, MedGen C2677338, MONDO:0012808, OMIM 612158.
Primary familial hypertrophic cardiomyopathy (HCM). Identifiers: Orphanet 99739, MedGen C0949658, MeSH D024741, MONDO:0024573. Inheritance: Various modes of inheritance.
Cardiomyopathy (CMYO). Also called: Cardiomyopathies. Identifiers: Orphanet 167848, MedGen C0878544, MONDO:0004994, HP:0001638. Inheritance: Various modes of inheritance.

Allele frequency attached by ClinVar (database versions not stated): gnomAD exomes below 0.00001 and 0.00004; gnomAD 0.00002 and 0.00004; ExAC 0.00003; TOPMed 0.00004.
gnomAD v4.1: 12 of 1,614,214 alleles (0.00074%); highest among the groups gnomAD compares: East Asian, 0.027%; no homozygotes.

Submissions (6):

Labcorp Genetics (formerly Invitae), Labcorp
Classification: Benign for Primary familial hypertrophic cardiomyopathy; Dilated cardiomyopathy 1AA. Last evaluated: 2025-12-24. Review status: criteria provided, single submitter. Criteria: Invitae Variant Classification Sherloc (09022015). Collection method: clinical testing. Allele origin: germline.

Ambry Genetics
Classification: Uncertain significance for Cardiovascular phenotype. Last evaluated: 2024-09-09. Review status: criteria provided, single submitter. Criteria: Ambry Variant Classification Scheme 2023. Collection method: clinical testing. Allele origin: germline.
Comment: The p.Q703L variant (also known as c.2108A>T), located in coding exon 17 of the ACTN2 gene, results from an A to T substitution at nucleotide position 2108. The glutamine at codon 703 is replaced by leucine, an amino acid with dissimilar properties. This alteration has been reported in a dilated cardiomyopathy (DCM) cohort (Lian H et al. J Transl Med, 2023 Jul;21:476). This amino acid position is highly conserved in available vertebrate species. In addition, the in silico prediction for this alteration is inconclusive. Based on the available evidence, the clinical significance of this variant remains unclear.

GeneDx
Classification: Uncertain significance. Last evaluated: 2024-01-02. Review status: criteria provided, single submitter. Criteria: GeneDx Variant Classification Process June 2021. Collection method: clinical testing. Allele origin: germline. Affected: yes.
Comment: Identified in a family with HCM who also harbored a pathogenic variant in the MYBPC3 gene (LIN Lirong et al., 2021); In silico analysis supports that this missense variant has a deleterious effect on protein structure/function

Mayo Clinic Laboratories, Mayo Clinic
Classification: Uncertain significance. Last evaluated: 2019-08-03. Review status: criteria provided, single submitter. Criteria: ACMG Guidelines, 2015. Collection method: clinical testing. Allele origin: germline. Observed: 2 variant alleles.

CHEO Genetics Diagnostic Laboratory, Children's Hospital of Eastern Ontario
Classification: Likely benign for Cardiomyopathy. Last evaluated: 2018-08-27. Review status: criteria provided, single submitter. Criteria: ACMG Guidelines, 2015. Collection method: clinical testing. Allele origin: germline.

Laboratory for Molecular Medicine, Mass General Brigham Personalized Medicine
Classification: Uncertain significance. Last evaluated: 2017-03-30. Review status: criteria provided, single submitter. Criteria: LMM Criteria. Collection method: clinical testing. Allele origin: germline. Observed: 1 variant allele.
Comment: The p.Gln703Leu variant in ACTN2 has not been previously reported in individuals with cardiomyopathy, but has been identified in 4/8644 East Asian chromosomes b y the Exome Aggregation Consortium (ExAC; dbSNP rs370862426). Computational prediction tools and conservation analysis suggest t hat the p.Gln703Leu variant may impact the protein, though this information is n ot predictive enough to determine pathogenicity. In summary, the clinical signif icance of the p.Gln703Leu variant is uncertain.

Literature cited by the submitters: PubMed 37461109 (cited by Ambry Genetics).

NM_001103.4(ACTN2):c.2108A>T (p.Gln703Leu)

Gene: ACTN2 (actinin alpha 2; plus strand). Cytogenetic location: 1q43.
Variant type: single nucleotide variant.
Coding change: c.2108A>T on transcript NM_001103.4 (MANE Select); coding-DNA position 2108, A replaced by T.
Protein change: p.Gln703Leu; replaces glutamine 703 with leucine.
Molecular consequence: missense variant.
Genome position (GRCh38, 1-based): chr1:236,755,152, A>T. VCF-style: chr1-236755152-A-T. GRCh37 (hg19) VCF-style: chr1-236918452-A-T.
Other names: c.2108A>T, p.Gln703Leu (NM_001278343.2); c.1484A>T, p.Gln495Leu (NM_001278344.2); short protein forms Q703L, Q495L.
Identifiers: ClinVar variation 463200 (VCV000463200.27), dbSNP rs370862426, ClinGen allele CA1473346.
Genomic context (GRCh38, chr1:236,755,152, plus strand): 5'-ACAACATCATCAACTATAAGAACAACATCGACAAGCTGGAGGGAGACCATCAGCTCATCC[A>T]GGAGGCCCTTGTCTTTGACAACAAGCACACGAACTACACGATGGAGGTACGGCAGCCAGA-3'
Protein context (NP_001094.1, residues 693-713): DKLEGDHQLI[Gln703Leu]EALVFDNKHT